The following is an entry in ClinVar:

NM_001040108.2(MLH3):c.1756G>C (p.Glu586Gln)

Gene: MLH3 (mutL homolog 3; minus strand). Cytogenetic location: 14q24.3.
Variant type: single nucleotide variant.
Coding change: c.1756G>C on transcript NM_001040108.2 (MANE Select); coding-DNA position 1756, G replaced by C.
Protein change: p.Glu586Gln; replaces glutamic acid 586 with glutamine.
Molecular consequence: missense variant.
Genome position (GRCh38, 1-based): chr14:75,047,900, C>G on the plus strand (G>C on the coding strand, the complement: MLH3 is on the minus strand). VCF-style: chr14-75047900-C-G. GRCh37 (hg19) VCF-style: chr14-75514603-C-G.
Other names: c.1756G>C, p.Glu586Gln (NM_014381.3); short protein forms E586Q.
Identifiers: ClinVar variation 3295098 (VCV003295098.1).

ClinVar aggregate classification (germline): Uncertain significance (1 of 4 stars; one submission).

gnomAD v4.1: 3 of 1,610,032 alleles (0.00019%); highest among the groups gnomAD compares: Non-Finnish European, 0.00025%; no homozygotes.

Submission:

Ambry Genetics
Classification: Uncertain significance. Last evaluated: 2024-03-27. Review status: criteria provided, single submitter. Criteria: Ambry Variant Classification Scheme 2023. Collection method: clinical testing. Allele origin: germline.
Comment: The p.E586Q variant (also known as c.1756G>C), located in coding exon 1 of the MLH3 gene, results from a G to C substitution at nucleotide position 1756. The glutamic acid at codon 586 is replaced by glutamine, an amino acid with highly similar properties. This amino acid position is conserved. In addition, this alteration is predicted to be tolerated by in silico analysis. Based on the available evidence, the clinical significance of this alteration remains unclear.